The following is an entry in ClinVar:

ClinVar aggregate classification (germline): Benign/Likely benign. Review status: criteria provided, multiple submitters, no conflicts (2 of 4 stars). 3 submissions from 3 submitters: Benign (1); Likely benign (2). Last evaluated 2025-10-11.

Conditions:
Thrombocythemia 1 (THCYT1). Also called: THROMBOCYTHEMIA, SOMATIC; THROMBOCYTOSIS 1. Identifiers: MedGen C3277671, MONDO:0008554, OMIM 187950.
Inborn genetic diseases. Identifiers: MedGen C0950123, MeSH D030342.

Allele frequency attached by ClinVar (database versions not stated): gnomAD 0.00005 and 0.00009; TOPMed 0.00005; gnomAD exomes 0.00011 and 0.00024; ExAC 0.00016; 1000 Genomes Project 30x 0.00047; 1000 Genomes Project 0.00060.
gnomAD v4.1: 352 of 1,613,726 alleles (0.022%); highest among the groups gnomAD compares: East Asian, 0.76%; 6 homozygotes.

Submissions (3):

Labcorp Genetics (formerly Invitae), Labcorp
Classification: Benign. Last evaluated: 2025-10-11. Review status: criteria provided, single submitter. Criteria: Invitae Variant Classification Sherloc (09022015). Collection method: clinical testing. Allele origin: germline.

Ambry Genetics
Classification: Likely benign for Inborn genetic diseases. Last evaluated: 2025-08-20. Review status: criteria provided, single submitter. Criteria: Ambry Variant Classification Scheme 2023. Collection method: clinical testing. Allele origin: germline.

Illumina Laboratory Services, Illumina
Classification: Likely benign for Thrombocythemia 1. Last evaluated: 2018-01-12. Review status: criteria provided, single submitter. Criteria: ICSL Variant Classification Criteria 13 December 2019. Collection method: clinical testing. Allele origin: germline.
Comment: This variant was observed in the ICSL laboratory as part of a predisposition screen in an ostensibly healthy population. It had not been previously curated by ICSL or reported in the Human Gene Mutation Database (HGMD: prior to June 1st, 2018), and was therefore a candidate for classification through an automated scoring system. Utilizing variant allele frequency, disease prevalence and penetrance estimates, and inheritance mode, an automated score was calculated to assess if this variant is too frequent to cause the disease. Based on the score and internal cut-off values, a variant classified as likely benign is not then subjected to further curation. The score for this variant resulted in a classification of likely benign for this disease.

NM_000460.4(THPO):c.852G>A (p.Leu284=)

Gene: THPO (thrombopoietin; minus strand). Cytogenetic location: 3q27.1.
Variant type: single nucleotide variant.
Coding change: c.852G>A on transcript NM_000460.4 (MANE Select); coding-DNA position 852, G replaced by A.
Protein change: p.Leu284=; no amino-acid change (leucine 284 retained).
Molecular consequence: synonymous variant. On other transcripts: missense variant (4).
Genome position (GRCh38, 1-based): chr3:184,372,723, C>T on the plus strand (G>A on the coding strand, the complement: THPO is on the minus strand). VCF-style: chr3-184372723-C-T. GRCh37 (hg19) VCF-style: chr3-184090511-C-T.
Other names: c.840G>A, p.Leu280= (NM_001177597.2, NM_001290022.1); c.835G>A, p.Ala279Thr (NM_001177598.2, NM_001290026.1); c.736G>A, p.Ala246Thr (NM_001289997.1, NM_001290027.1); c.852G>A, p.Leu284= (NM_001289998.1, NM_001290028.1); c.1272G>A, p.Leu424= (NM_001290003.1); short protein forms A246T, A279T.
Identifiers: ClinVar variation 902536 (VCV000902536.8), dbSNP rs150122652, ClinGen allele CA2734856.